The following is an entry in ClinVar:

ClinVar aggregate classification (germline): Pathogenic (1 of 4 stars; one submission).

Submission:

CeGaT Center for Human Genetics Tuebingen
Classification: Pathogenic. Last evaluated: 2023-11-01. Review status: criteria provided, single submitter. Criteria: CeGaT Center For Human Genetics Tuebingen Variant Classification Criteria Version 2. Collection method: clinical testing. Allele origin: germline. Affected: yes. Observed: 1 variant allele.
Comment: AGL: PVS1, PM2

NM_000642.3(AGL):c.1025_1026del (p.Arg342fs)

Gene: AGL (amylo-alpha-1,6-glucosidase and 4-alpha-glucanotransferase; plus strand). Cytogenetic location: 1p21.2.
Variant type: Deletion.
Coding change: c.1025_1026del on transcript NM_000642.3 (MANE Select); coding-DNA positions 1025 to 1026, 2 bases deleted (GA; older notation c.1025_1026delGA).
Protein change: p.Arg342fs; shifts the reading frame from arginine 342.
Molecular consequence: frameshift variant.
Genome position (GRCh38, 1-based): chr1:99,874,753-99,874,754, GA deleted; deleting any 2 consecutive bases within chr1:99,874,752-99,874,754 gives the same sequence; the c. name uses the placement nearest the transcript's 3' end. VCF-style (leftmost placement, unchanged base first): chr1-99874751-CAG-C. GRCh37 (hg19) VCF-style: chr1-100340307-CAG-C.
Other names: c.1025_1026delGA, p.Arg342Thrfs (NM_000028.3, NM_000643.3, NM_000644.3 and 3 more transcripts); c.977_978delGA, p.Arg326Thrfs (NM_000646.3); c.821_822delGA, p.Arg274Thrfs (NM_001425328.1, NM_001425329.1); c.647_648delGA, p.Arg216Thrfs (NM_001425332.1); short protein forms R326fs, R342fs.
Identifiers: ClinVar variation 2672341 (VCV002672341.23), dbSNP rs2524594680, ClinGen allele CA2695198099.